The following is an entry in ClinVar:

ClinVar aggregate classification (germline): Uncertain significance (1 of 4 stars; one submission).

Conditions:
Hereditary cancer-predisposing syndrome. Also called: Neoplastic Syndromes, Hereditary; Tumor predisposition; Hereditary Cancer Syndrome; Hereditary neoplastic syndrome. Identifiers: Orphanet 140162, MedGen C0027672, MeSH D009386, MONDO:0015356.

Submission:

Ambry Genetics
Classification: Uncertain significance for Hereditary cancer-predisposing syndrome. Last evaluated: 2016-08-16. Review status: criteria provided, single submitter. Criteria: Ambry Variant Classification Scheme 2023. Collection method: clinical testing. Allele origin: germline.
Comment: The p.F1191V variant (also known as c.3571T>G), located in coding exon 7 of the MSH6 gene, results from a T to G substitution at nucleotide position 3571. The phenylalanine at codon 1191 is replaced by valine, an amino acid with highly similar properties. This variant was not reported in population based cohorts in the following databases: Database of Single Nucleotide Polymorphisms (dbSNP), NHLBI Exome Sequencing Project (ESP), and 1000 Genomes Project. In the ESP, this variant was not observed in 6503 samples (13006 alleles) with coverage at this position. To date, this alteration has been detected with an allele frequency of approximately 0.001% (greater than 150000 alleles tested) in our clinical cohort. This amino acid position is highly conserved in available vertebrate species. In addition, this alteration is predicted to be deleterious by in silico analysis. In addition, the CoDP in silico tool predicts this alteration to have a likely impact on molecular function, with a score of 0.990 (Terui H et al. J. Biomed. Sci. 2013;20:25). Since supporting evidence is limited at this time, the clinical significance of this alteration remains unclear.

NM_000179.3(MSH6):c.3571T>G (p.Phe1191Val)

Gene: MSH6 (mutS homolog 6; plus strand). Cytogenetic location: 2p16.3.
Variant type: single nucleotide variant.
Coding change: c.3571T>G on transcript NM_000179.3 (MANE Select); coding-DNA position 3571, T replaced by G.
Protein change: p.Phe1191Val; replaces phenylalanine 1191 with valine.
Molecular consequence: missense variant.
Genome position (GRCh38, 1-based): chr2:47,805,632, T>G. VCF-style: chr2-47805632-T-G. GRCh37 (hg19) VCF-style: chr2-48032771-T-G.
Other names: c.3181T>G, p.Phe1061Val (NM_001281492.2); c.2665T>G, p.Phe889Val (NM_001281493.2, NM_001281494.2); short protein forms F1191V, F889V, F1061V.
Identifiers: ClinVar variation 483811 (VCV000483811.5), dbSNP rs752857771, ClinGen allele CA346760483.